The following is an entry in ClinVar:

ClinVar aggregate classification (germline): Likely benign. Review status: criteria provided, single submitter (1 of 4 stars). 2 submissions from 2 submitters: Likely benign (1). 1 of the submissions does not count toward it. Last evaluated 2024-02-02.

Conditions:
SMPD1-related disorder. Also called: SMPD1-related condition.
Niemann-Pick disease, type B. Also called: Chronic Visceral ASMD (Niemann-Pick Disease Type B; NPD-B). Identifiers: Orphanet 77293, MedGen C0268243, MONDO:0011871, OMIM 607616. Disease mechanism: loss of function.
Niemann-Pick disease, type A. Also called: SPHINGOMYELIN LIPIDOSIS; SPHINGOMYELINASE DEFICIENCY; Infantile Neurovisceral ASMD (Niemann-Pick Disease Type A; NPD-A). Identifiers: Orphanet 77292, MedGen C0268242, MONDO:0009756, OMIM 257200. Disease mechanism: loss of function.

Allele frequency attached by ClinVar (database versions not stated): gnomAD exomes below 0.00001 and 0.00002; ExAC 0.00001; TOPMed 0.00001; gnomAD 0.00002; ESP Exome Variant Server 0.00008.

Submissions (2):

Labcorp Genetics (formerly Invitae), Labcorp
Classification: Likely benign for Niemann-Pick disease, type B; Niemann-Pick disease, type A. Last evaluated: 2024-02-02. Review status: criteria provided, single submitter. Criteria: Invitae Variant Classification Sherloc (09022015). Collection method: clinical testing. Allele origin: germline.

PreventionGenetics, part of Exact Sciences
Classification: Likely benign for SMPD1-related condition. Last evaluated: 2019-03-21. Review status: no assertion criteria provided. Collection method: clinical testing. Allele origin: germline. Not counted in ClinVar's aggregate classification.
Comment: This variant is classified as likely benign based on ACMG/AMP sequence variant interpretation guidelines (Richards et al. 2015 PMID: 25741868, with internal and published modifications).

NM_000543.5(SMPD1):c.318+10G>C

Gene: SMPD1 (sphingomyelin phosphodiesterase 1; plus strand). Cytogenetic location: 11p15.4.
Variant type: single nucleotide variant.
Coding change: c.318+10G>C on transcript NM_000543.5 (MANE Select); 10 bases into the intron after coding-DNA position 318, G replaced by C.
Molecular consequence: intron variant.
Genome position (GRCh38, 1-based): chr11:6,390,926, G>C. VCF-style: chr11-6390926-G-C. GRCh37 (hg19) VCF-style: chr11-6412156-G-C.
Other names: c.-644+10G>C (NM_001318088.2); c.318+10G>C (NM_001365135.2, NM_001318087.2, NM_001007593.3 and 1 more transcripts).
Identifiers: ClinVar variation 1099750 (VCV001099750.11), dbSNP rs367666720, ClinGen allele CA5852553.